The following is an entry in ClinVar:

NC_000007.14:g.56106478A>C

Genes: CHCHD2 (coiled-coil-helix-coiled-coil-helix domain containing 2; minus strand), LOC129998502 (ATAC-STARR-seq lymphoblastoid active region 26053; plus strand). Cytogenetic location: 7p11.2.
Variant type: single nucleotide variant.
Genome position: GRCh38 VCF-style: chr7-56106478-A-C. GRCh37 (hg19) VCF-style: chr7-56174171-A-C.
Identifiers: ClinVar variation 1326031 (VCV001326031.11), dbSNP rs816406, ClinGen allele CA159704460.

ClinVar aggregate classification (germline): Benign/Likely benign. Review status: criteria provided, multiple submitters, no conflicts (2 of 4 stars). 2 submissions from 2 submitters: Benign (1); Likely benign (1). Last evaluated 2025-07-01.

Allele frequency attached by ClinVar (database versions not stated): 1000 Genomes Project 0.00479; 1000 Genomes Project 30x 0.00500; gnomAD 0.00795 and 0.00824; ESP Exome Variant Server 0.00855.

Submissions (2):

CeGaT Center for Human Genetics Tuebingen
Classification: Benign. Last evaluated: 2025-07-01. Review status: criteria provided, single submitter. Criteria: CeGaT Center For Human Genetics Tuebingen Variant Classification Criteria Version 2. Collection method: clinical testing. Allele origin: germline. Affected: yes. Observed: 1 variant allele.
Comment: ENSG00000308845: BS1, BS2

GeneDx
Classification: Likely benign. Last evaluated: 2021-05-21. Review status: criteria provided, single submitter. Criteria: GeneDx Variant Classification Process June 2021. Collection method: clinical testing. Allele origin: germline. Affected: yes.